The following is an entry in ClinVar:

ClinVar aggregate classification (germline): Uncertain significance. Review status: criteria provided, multiple submitters, no conflicts (2 of 4 stars). 2 submissions from 2 submitters: Uncertain significance (2). Last evaluated 2025-12-08.

Allele frequency attached by ClinVar (database versions not stated): ESP Exome Variant Server 0.00015; ExAC 0.00020.
gnomAD v4.1: 294 of 1,614,038 alleles (0.018%); highest among the groups gnomAD compares: Middle Eastern, 0.033%; no homozygotes.

Submissions (2):

Labcorp Genetics (formerly Invitae), Labcorp
Classification: Uncertain significance. Last evaluated: 2025-12-08. Review status: criteria provided, single submitter. Criteria: Invitae Variant Classification Sherloc (09022015). Collection method: clinical testing. Allele origin: germline.
Comment: This sequence change replaces alanine, which is neutral and non-polar, with valine, which is neutral and non-polar, at codon 363 of the ZNF687 protein (p.Ala363Val). This variant is present in population databases (rs199776443, gnomAD 0.05%). This variant has not been reported in the literature in individuals affected with ZNF687-related conditions. ClinVar contains an entry for this variant (Variation ID: 2075195). An algorithm developed to predict the effect of missense changes on protein structure and function (PolyPhen-2) suggests that this variant is likely to be tolerated. In summary, the available evidence is currently insufficient to determine the role of this variant in disease. Therefore, it has been classified as a Variant of Uncertain Significance.

Ambry Genetics
Classification: Uncertain significance. Last evaluated: 2025-01-26. Review status: criteria provided, single submitter. Criteria: Ambry Variant Classification Scheme 2023. Collection method: clinical testing. Allele origin: germline.

NM_020832.3(ZNF687):c.1088C>T (p.Ala363Val)

Gene: ZNF687 (zinc finger protein 687; plus strand). Cytogenetic location: 1q21.3.
Variant type: single nucleotide variant.
Coding change: c.1088C>T on transcript NM_020832.3 (MANE Select); coding-DNA position 1088, C replaced by T.
Protein change: p.Ala363Val; replaces alanine 363 with valine.
Molecular consequence: missense variant.
Genome position (GRCh38, 1-based): chr1:151,287,379, C>T. VCF-style: chr1-151287379-C-T. GRCh37 (hg19) VCF-style: chr1-151259855-C-T.
Other names: c.1088C>T, p.Ala363Val (NM_001304763.2, NM_001304764.2); c.1088C>T (NM_020832.1); short protein forms A363V.
Identifiers: ClinVar variation 2075195 (VCV002075195.4), dbSNP rs199776443, ClinGen allele CA1088274.